The following is an entry in ClinVar:

ClinVar aggregate classification (germline): Uncertain significance (1 of 4 stars; one submission).

Submission:

Labcorp Genetics (formerly Invitae), Labcorp
Classification: Uncertain significance. Last evaluated: 2025-10-26. Review status: criteria provided, single submitter. Criteria: Invitae Variant Classification Sherloc (09022015). Collection method: clinical testing. Allele origin: germline.
Comment: This sequence change falls in intron 2 of the PPP2R5C gene. It does not directly change the encoded amino acid sequence of the PPP2R5C protein. It affects a nucleotide within the consensus splice site. This variant is not present in population databases (gnomAD no frequency). This variant has not been reported in the literature in individuals affected with PPP2R5C-related conditions. Variants that disrupt the consensus splice site are a relatively common cause of aberrant splicing (PMID: 17576681, 9536098). Algorithms developed to predict the effect of sequence changes on RNA splicing suggest that this variant is not likely to affect RNA splicing. In summary, the available evidence is currently insufficient to determine the role of this variant in disease. Therefore, it has been classified as a Variant of Uncertain Significance.

Literature cited by the submitters: PubMed 17576681; PubMed 9536098.

NM_001352913.2(PPP2R5C):c.93+5C>T

Gene: PPP2R5C (protein phosphatase 2 regulatory subunit B'gamma; plus strand). Cytogenetic location: 14q32.31.
Variant type: single nucleotide variant.
Coding change: c.93+5C>T on transcript NM_001352913.2 (MANE Select); 5 bases into the intron after coding-DNA position 93, C replaced by T.
Molecular consequence: intron variant.
Genome position (GRCh38, 1-based): chr14:101,762,975, C>T. VCF-style: chr14-101762975-C-T. GRCh37 (hg19) VCF-style: chr14-102229312-C-T.
Other names: c.108+5C>T (NM_001352914.2); c.93+5C>T (NM_001161726.2, NM_001161725.2); c.-132+5C>T (NM_001352915.2).
Identifiers: ClinVar variation 4772219 (VCV004772219.1).